The following is an entry in ClinVar:

NM_000051.4(ATM):c.450_453del (p.Leu150_Ser151insTer)

Gene: ATM (ATM serine/threonine kinase; plus strand). Cytogenetic location: 11q22.3.
Variant type: Microsatellite.
Coding change: c.450_453del on transcript NM_000051.4 (MANE Select); coding-DNA positions 450 to 453, 4 bases deleted (TTCT; older notation c.450_453delTTCT).
Protein change: p.Leu150_Ser151insTer.
Molecular consequence: frameshift variant.
Genome position (GRCh38, 1-based): chr11:108,235,788-108,235,791, TTCT deleted; deleting any 4 consecutive bases within chr11:108,235,784-108,235,791 gives the same sequence; the c. name uses the placement nearest the transcript's 3' end. VCF-style (leftmost placement, unchanged base first): chr11-108235783-ATTCT-A. GRCh37 (hg19) VCF-style: chr11-108106510-ATTCT-A.
Other names: c.450_453del, p.Leu150_Ser151insTer (NM_001351834.2); c.450_453delTTCT (NM_000051.3).
Identifiers: ClinVar variation 490572 (VCV000490572.78), dbSNP rs771936821, ClinGen allele CA6264609.

ClinVar aggregate classification (germline): Pathogenic. Review status: criteria provided, multiple submitters, no conflicts (2 of 4 stars). 10 submissions from 10 submitters: Pathogenic (8). 2 of the submissions do not count toward it. Last evaluated 2025-07-30.

Conditions:
Hereditary cancer-predisposing syndrome. Also called: Hereditary neoplastic syndrome; Neoplastic Syndromes, Hereditary; Hereditary Cancer Syndrome; Tumor predisposition. Identifiers: Orphanet 140162, MedGen C0027672, MeSH D009386, MONDO:0015356.
Ataxia-telangiectasia syndrome (AT). Also called: LOUIS-BAR SYNDROME; Ataxia-telangiectasia, complementation group D; AT, COMPLEMENTATION GROUP C; ATAXIA-TELANGIECTASIA, COMPLEMENTATION GROUP A; ATAXIA-TELANGIECTASIA, FRESNO VARIANT; Ataxia-telangiectasia. Identifiers: Orphanet 100, MedGen C0004135, MONDO:0008840, OMIM 208900.
Gastric cancer. Also called: Malignant tumor of stomach; Stomach cancer. Identifiers: MedGen C0024623, MeSH D013274, MONDO:0001056, OMIM 613659, HP:0012126.
Familial colorectal cancer type X. Identifiers: Orphanet 440437, MedGen C3896578, MONDO:0018604.
Familial cancer of breast. Also called: Hereditary breast cancer; hereditary breast carcinoma; BREAST CANCER, FAMILIAL. Identifiers: Orphanet 227535, MedGen C0346153, MONDO:0016419, OMIM 114480. Disease mechanism: loss of function.

Submissions (10):

Labcorp Genetics (formerly Invitae), Labcorp
Classification: Pathogenic for Ataxia-telangiectasia syndrome. Last evaluated: 2025-07-30. Review status: criteria provided, single submitter. Criteria: Invitae Variant Classification Sherloc (09022015). Collection method: clinical testing. Allele origin: germline.
Comment: This sequence change creates a premature translational stop signal (p.Ser151*) in the ATM gene. It is expected to result in an absent or disrupted protein product. Loss-of-function variants in ATM are known to be pathogenic (PMID: 23807571, 25614872). This variant is present in population databases (rs771936821, gnomAD 0.0009%). This premature translational stop signal has been observed in individual(s) with ataxia-telangiectasia, and gastric cancer (PMID: 17124347, 26506520). This variant is also known as p.I149fs. ClinVar contains an entry for this variant (Variation ID: 490572). For these reasons, this variant has been classified as Pathogenic.

Ambry Genetics
Classification: Pathogenic for Hereditary cancer-predisposing syndrome. Last evaluated: 2024-09-05. Review status: criteria provided, single submitter. Criteria: Ambry Variant Classification Scheme 2023. Collection method: clinical testing. Allele origin: germline.
Comment: The c.450_453delTTCT pathogenic mutation, located in coding exon 4 of the ATM gene, results from a deletion of 4 nucleotides at nucleotide positions 450 to 453, causing a translational frameshift with a predicted alternate stop codon (p.S151*). This alteration has been reported in the compound heterozygous state with another pathogenic ATM alteration in multiple individuals affected with ataxia-telangiectasia (Magliozzi M et al. Dis. Markers, 2006;22:257-64; Suspitsin E et al. Eur J Med Genet, 2020 Jan;63:103630). Another study detected this mutation in 0/3030 pancreatic cancer cases and 1/123136 population controls (Hu C et al. JAMA, 2018 06;319:2401-2409). Of note, this alteration is also designated as c.446_449del (p.I149fs) in the published literature. In addition to the clinical data presented in the literature, this alteration is expected to result in loss of function by premature protein truncation or nonsense-mediated mRNA decay. As such, this alteration is interpreted as a disease-causing mutation.

Myriad Genetics, Inc.
Classification: Pathogenic for Familial cancer of breast. Last evaluated: 2024-01-09. Review status: criteria provided, single submitter. Criteria: Myriad Autosomal Dominant, Autosomal Recessive and X-Linked Classification Criteria (2023). Collection method: clinical testing. Allele origin: unknown.
Comment: This variant is considered pathogenic. This variant creates a termination codon and is predicted to result in premature protein truncation.

CeGaT Center for Human Genetics Tuebingen
Classification: Pathogenic. Last evaluated: 2023-09-01. Review status: criteria provided, single submitter. Criteria: CeGaT Center For Human Genetics Tuebingen Variant Classification Criteria Version 2. Collection method: clinical testing. Allele origin: germline. Affected: yes. Observed: 2 variant alleles.
Comment: ATM: PVS1, PM2, PM3

Department of Pathology and Laboratory Medicine, Sinai Health System
Classification: Pathogenic for Familial colorectal cancer type X. Last evaluated: 2022-06-08. Review status: criteria provided, single submitter. Criteria: ACMG Guidelines, 2015. Collection method: clinical testing. Allele origin: germline. Affected: yes.

GeneDx
Classification: Pathogenic. Last evaluated: 2021-12-17. Review status: criteria provided, single submitter. Criteria: GeneDx Variant Classification Process June 2021. Collection method: clinical testing. Allele origin: germline. Affected: yes.
Comment: Nonsense variant predicted to result in protein truncation or nonsense mediated decay in a gene for which loss-of-function is a known mechanism of disease; Not observed at significant frequency in large population cohorts (Lek et al., 2016); Observed as germline heterozygous in individuals with gastric cancer in published literature (Huang 2015, Lu 2015); Also known as 446_449del; This variant is associated with the following publications: (PMID: 26506520, 29922827, 8845835, 23454770, 29625052, 26689913, 17124347, 30772474)

Women's Health and Genetics/Laboratory Corporation of America, LabCorp
Classification: Pathogenic for Ataxia-telangiectasia syndrome. Last evaluated: 2021-04-02. Review status: criteria provided, single submitter. Criteria: LabCorp Variant Classification Summary - May 2015. Collection method: clinical testing. Allele origin: germline.
Comment: Variant summary: ATM c.450_453delTTCT (p.Ser151X) results in a premature termination codon, predicted to cause a truncation of the encoded protein or absence of the protein due to nonsense mediated decay, which are commonly known mechanisms for disease. Truncations downstream of this position have been classified as pathogenic by our laboratory. The variant allele was found at a frequency of 4e-06 in 251340 control chromosomes. c.450_453delTTCT has been reported in the literature in individuals affected with Ataxia-Telangiectasia and also subsequently cited by others (example, Magliozzi_2006, Chessa_2009, Huang_2015, Suspitsin_2020, Mutlu-Albayrak_2020). To our knowledge, no experimental evidence demonstrating an impact on protein function has been reported. Three clinical diagnostic laboratories have submitted clinical-significance assessments for this variant to ClinVar after 2014 without evidence for independent evaluation. All laboratories classified the variant as pathogenic. Based on the evidence outlined above, the variant was classified as pathogenic.

Color Diagnostics, LLC DBA Color Health
Classification: Pathogenic for Hereditary cancer-predisposing syndrome. Last evaluated: 2020-05-14. Review status: criteria provided, single submitter. Criteria: ACMG Guidelines, 2015. Collection method: clinical testing. Allele origin: germline.
Comment: This variant deletes 4 nucleotides in exon 5 of the ATM gene, creating a frameshift and premature translation stop signal. This variant is expected to result in an absent or non-functional protein product. To our knowledge, functional studies have not been reported for this variant. This variant has been reported in individuals affected with ataxia telangiectasia in compound heterozygous state (PMID: 17124347, 30772474). This variant has been identified in 1/251340 chromosomes in the general population by the Genome Aggregation Database (gnomAD). Loss of ATM function is a known mechanism of disease. Based on the available evidence, this variant is classified as Pathogenic.

Laboratory for Genotyping Development, RIKEN
Classification: Pathogenic for Gastric cancer. Last evaluated: 2021-07-01. Review status: no assertion criteria provided. Collection method: research. Allele origin: germline. Not counted in ClinVar's aggregate classification.

Natera, Inc.
Classification: Pathogenic for Ataxia-telangiectasia. Last evaluated: 2021-02-18. Review status: no assertion criteria provided. Collection method: clinical testing. Allele origin: germline. Not counted in ClinVar's aggregate classification.

Literature cited by the submitters: PubMed 23807571 (cited by Labcorp Genetics (formerly Invitae), Labcorp); PubMed 25614872 (cited by Labcorp Genetics (formerly Invitae), Labcorp); PubMed 17124347 (cited by 4 submitters); PubMed 26506520 (cited by 4 submitters); PubMed 29922827 (cited by Ambry Genetics); PubMed 30772474 (cited by Ambry Genetics and Women's Health and Genetics/Laboratory Corporation of America, LabCorp); PubMed 19691550 (cited by Women's Health and Genetics/Laboratory Corporation of America, LabCorp); PubMed 31741144 (cited by Women's Health and Genetics/Laboratory Corporation of America, LabCorp); PubMed 36988593 (cited by Laboratory for Genotyping Development, RIKEN).